The following is an entry in ClinVar:

NM_007294.4(BRCA1):c.5004T>A (p.Phe1668Leu)

Gene: BRCA1 (BRCA1 DNA repair associated; minus strand). Cytogenetic location: 17q21.31.
Variant type: single nucleotide variant.
Coding change: c.5004T>A on transcript NM_007294.4 (MANE Select); coding-DNA position 5004, T replaced by A.
Protein change: p.Phe1668Leu; replaces phenylalanine 1668 with leucine.
Molecular consequence: missense variant. On other transcripts: non-coding transcript variant (1).
Genome position (GRCh38, 1-based): chr17:43,067,678, A>T on the plus strand (T>A on the coding strand, the complement: BRCA1 is on the minus strand). VCF-style: chr17-43067678-A-T. GRCh37 (hg19) VCF-style: chr17-41219695-A-T.
Other names: c.4791T>A, p.Phe1597Leu (NM_001407571.1, NM_001407894.1, NM_001407895.1 and 12 more transcripts); c.5070T>A, p.Phe1690Leu (NM_001407581.1, NM_001407582.1); c.5067T>A, p.Phe1689Leu (NM_001407583.1, NM_001407585.1, NM_001407587.1 and 1 more transcripts); c.5064T>A, p.Phe1688Leu (NM_001407590.1, NM_001407591.1); c.5004T>A, p.Phe1668Leu (NM_001407593.1, NM_001407594.1, NM_001407596.1 and 8 more transcripts); c.5001T>A, p.Phe1667Leu (NM_001407610.1, NM_001407611.1, NM_001407612.1 and 17 more transcripts); c.4998T>A, p.Phe1666Leu (NM_001407627.1, NM_001407628.1, NM_001407629.1 and 14 more transcripts); c.4995T>A, p.Phe1665Leu (NM_001407644.1, NM_001407645.1); and 70 more; short protein forms F564L, F1621L, F1668L, F1689L, F1371L, F1372L, F1540L, F1556L.
Identifiers: ClinVar variation 868914 (VCV000868914.3), dbSNP rs2052185251, ClinGen allele CA10591511.

Conditions:
Breast-ovarian cancer, familial, susceptibility to, 1 (BROVCA1). Also called: BRCA1 Hereditary Breast and Ovarian Cancer; OVARIAN CANCER, SUSCEPTIBILITY TO. Identifiers: Orphanet 145, MedGen C2676676, MONDO:0011450, OMIM 604370. Disease mechanism: loss of function.

Submission:

Brotman Baty Institute, University of Washington
No classification provided (evidence only). Condition: Breast-ovarian cancer, familial 1. Review status: no classification provided. Collection method: in vitro. Allele origin: not applicable. Functional consequence: functionally_abnormal.
ClinVar note: "not provided" was previously submitted as the classification for the variant. However, the classification appeared to be based only on an observation of functional data so it was converted to no classification on 2025-07-30.